The following is an entry in ClinVar:

ClinVar aggregate classification (germline): Benign (1 of 4 stars; one submission).

gnomAD v4.1: 15,260 of 1,608,378 alleles (0.95%); highest among the groups gnomAD compares: Non-Finnish European, 1.2%; 105 homozygotes.

Submission:

CeGaT Center for Human Genetics Tuebingen
Classification: Benign. Last evaluated: 2025-07-01. Review status: criteria provided, single submitter. Criteria: CeGaT Center For Human Genetics Tuebingen Variant Classification Criteria Version 2. Collection method: clinical testing. Allele origin: germline. Affected: yes. Observed: 1 variant allele.
Comment: PCA3: BS1, BS2; PRUNE2: BP4, BS1, BS2

NM_015225.3(PRUNE2):c.7391C>T (p.Pro2464Leu)

Gene: PRUNE2 (prune homolog 2 with BCH domain; minus strand). Cytogenetic location: 9q21.2.
Variant type: single nucleotide variant.
Coding change: c.7391C>T on transcript NM_015225.3 (MANE Select); coding-DNA position 7391, C replaced by T.
Protein change: p.Pro2464Leu; replaces proline 2464 with leucine.
Molecular consequence: missense variant. On other transcripts: non-coding transcript variant (1).
Genome position (GRCh38, 1-based): chr9:76,704,883, G>A on the plus strand (C>T on the coding strand, the complement: PRUNE2 is on the minus strand). VCF-style: chr9-76704883-G-A. GRCh37 (hg19) VCF-style: chr9-79319799-G-A.
Other names: c.7391C>T, p.Pro2464Leu (NM_001308047.2, NM_001308048.2); short protein forms P2464L.
Identifiers: ClinVar variation 4083587 (VCV004083587.8).